The following is an entry in ClinVar:

NM_005188.4(CBL):c.748-142G>A

Gene: CBL (Cbl proto-oncogene; plus strand). Cytogenetic location: 11q23.3.
Variant type: single nucleotide variant.
Coding change: c.748-142G>A on transcript NM_005188.4 (MANE Select); 142 bases into the intron before coding-DNA position 748, G replaced by A.
Molecular consequence: intron variant.
Genome position (GRCh38, 1-based): chr11:119,274,690, G>A. VCF-style: chr11-119274690-G-A. GRCh37 (hg19) VCF-style: chr11-119145400-G-A.
Identifiers: ClinVar variation 561675 (VCV000561675.2), dbSNP rs188887004, ClinGen allele CA229660282.

ClinVar aggregate classification (germline): Likely benign. Review status: criteria provided, multiple submitters, no conflicts (2 of 4 stars). 2 submissions from 2 submitters: Likely benign (2). Last evaluated 2018-06-19.

Allele frequency attached by ClinVar (database versions not stated): gnomAD exomes 0.00302; gnomAD 0.00751 and 0.00761; TOPMed 0.00844; 1000 Genomes Project 30x 0.01062; 1000 Genomes Project 0.01078.
gnomAD v4.1: 3,018 of 765,758 alleles (0.39%); highest among the groups gnomAD compares: African/African-American, 2.2%; 38 homozygotes.

Submissions (2):

GeneDx
Classification: Likely benign. Last evaluated: 2018-06-19. Review status: criteria provided, single submitter. Criteria: GeneDx Variant Classification (06012015). Collection method: clinical testing. Allele origin: germline. Affected: yes.
Comment: This variant is considered likely benign or benign based on one or more of the following criteria: it is a conservative change, it occurs at a poorly conserved position in the protein, it is predicted to be benign by multiple in silico algorithms, and/or has population frequency not consistent with disease.

Breakthrough Genomics
Classification: Likely benign. Review status: criteria provided, single submitter. Criteria: ACMG Guidelines, 2015. Collection method: not provided. Allele origin: germline. Inheritance: Autosomal dominant inheritance. Affected: yes.